The following is an entry in ClinVar:

ClinVar aggregate classification (germline): Uncertain significance. Review status: criteria provided, multiple submitters, no conflicts (2 of 4 stars). 3 submissions from 3 submitters: Uncertain significance (3). Last evaluated 2022-07-26.

Conditions:
Polyglucosan body myopathy type 1 (PGBM1). Also called: Polyglucosan body myopathy 1 with or without immunodeficiency; POLYGLUCOSAN BODY MYOPATHY WITHOUT IMMUNODEFICIENCY. Identifiers: Orphanet 329173, Orphanet 397937, MedGen C4014605, MONDO:0014389, OMIM 615895.

Allele frequency attached by ClinVar (database versions not stated): gnomAD 0.00004; TOPMed 0.00005; gnomAD exomes 0.00006; ExAC 0.00011.

Submissions (3):

Labcorp Genetics (formerly Invitae), Labcorp
Classification: Uncertain significance for Polyglucosan body myopathy type 1. Last evaluated: 2022-07-26. Review status: criteria provided, single submitter. Criteria: Invitae Variant Classification Sherloc (09022015). Collection method: clinical testing. Allele origin: germline.
Comment: This sequence change replaces aspartic acid, which is acidic and polar, with glutamic acid, which is acidic and polar, at codon 269 of the RBCK1 protein (p.Asp269Glu). This variant is present in population databases (rs111283441, gnomAD 0.02%). This variant has not been reported in the literature in individuals affected with RBCK1-related conditions. ClinVar contains an entry for this variant (Variation ID: 863224). Algorithms developed to predict the effect of missense changes on protein structure and function output the following: SIFT: "Not Available"; PolyPhen-2: "Benign"; Align-GVGD: "Not Available". The glutamic acid amino acid residue is found in multiple mammalian species, which suggests that this missense change does not adversely affect protein function. In summary, the available evidence is currently insufficient to determine the role of this variant in disease. Therefore, it has been classified as a Variant of Uncertain Significance.

Center for Genomics, Ann and Robert H. Lurie Children's Hospital of Chicago
Classification: Uncertain significance for Polyglucosan body myopathy type 1. Last evaluated: 2021-03-30. Review status: criteria provided, single submitter. Criteria: ACMG Guidelines, 2015. Collection method: clinical testing. Allele origin: germline.
Comment: RBCK1 NM_031229.3 exon 7 p.Asp269Glu (c.807C>G): This variant has not been reported in the literature but is present in 0.01% (4/26108) of Latino alleles in the Genome Aggregation Database. This variant is present in ClinVar (Variation ID:863224). This variant amino Glutamic acid (Glu) is present in several species including mammals and is not well conserved among evolutionarily distant species; this suggests that this variant may not impact the protein. Additional computational prediction tools do not suggest an impact. In summary, data on this variant is insufficient for disease classification. Therefore, the clinical significance of this variant is uncertain.

GeneDx
Classification: Uncertain significance. Last evaluated: 2019-10-21. Review status: criteria provided, single submitter. Criteria: GeneDx Variant Classification Process June 2021. Collection method: clinical testing. Allele origin: germline. Affected: yes.
Comment: Has not been previously published as pathogenic or benign to our knowledge; In silico analysis, which includes protein predictors and evolutionary conservation, supports that this variant does not alter protein structure/function

NM_031229.4(RBCK1):c.807C>G (p.Asp269Glu)

Gene: RBCK1 (RANBP2-type and C3HC4-type zinc finger containing 1; plus strand). Cytogenetic location: 20p13.
Variant type: single nucleotide variant.
Coding change: c.807C>G on transcript NM_031229.4 (MANE Select); coding-DNA position 807, C replaced by G.
Protein change: p.Asp269Glu; replaces aspartic acid 269 with glutamic acid.
Molecular consequence: missense variant. On other transcripts: non-coding transcript variant (1), intron variant (2).
Genome position (GRCh38, 1-based): chr20:420,921, C>G. VCF-style: chr20-420921-C-G. GRCh37 (hg19) VCF-style: chr20-401565-C-G.
Other names: c.681C>G, p.Asp227Glu (NM_006462.6); c.407+1190C>G (NM_001323956.2, NM_001323958.2); short protein forms D227E, D269E.
Identifiers: ClinVar variation 863224 (VCV000863224.8), dbSNP rs111283441, ClinGen allele CA9723199.